The following is an entry in ClinVar:

ClinVar aggregate classification (germline): Uncertain significance (1 of 4 stars; one submission).

Conditions:
Long QT syndrome (LQTS). Identifiers: MedGen C0023976, MeSH D008133, MONDO:0002442. Disease mechanism: loss of function. Inheritance: Various modes of inheritance.

gnomAD v4.1: 1 of 1,546,256 alleles (0.000065%); highest among the groups gnomAD compares: Non-Finnish European, 0.000087%; no homozygotes.

Submission:

Labcorp Genetics (formerly Invitae), Labcorp
Classification: Uncertain significance for Long QT syndrome. Last evaluated: 2025-03-31. Review status: criteria provided, single submitter. Criteria: Invitae Variant Classification Sherloc (09022015). Collection method: clinical testing. Allele origin: germline.
Comment: This sequence change replaces glutamic acid, which is acidic and polar, with aspartic acid, which is acidic and polar, at codon 939 of the KCNH2 protein (p.Glu939Asp). This variant is not present in population databases (gnomAD no frequency). This variant has not been reported in the literature in individuals affected with KCNH2-related conditions. An algorithm developed to predict the effect of missense changes on protein structure and function outputs the following: PolyPhen-2: "Benign". The aspartic acid amino acid residue is found in multiple mammalian species, which suggests that this missense change does not adversely affect protein function. In summary, the available evidence is currently insufficient to determine the role of this variant in disease. Therefore, it has been classified as a Variant of Uncertain Significance.

NM_000238.4(KCNH2):c.2817G>C (p.Glu939Asp)

Gene: KCNH2 (potassium voltage-gated channel subfamily H member 2; minus strand). Cytogenetic location: 7q36.1.
Variant type: single nucleotide variant.
Coding change: c.2817G>C on transcript NM_000238.4 (MANE Select); coding-DNA position 2817, G replaced by C.
Protein change: p.Glu939Asp; replaces glutamic acid 939 with aspartic acid.
Molecular consequence: missense variant.
Genome position (GRCh38, 1-based): chr7:150,947,754, C>G on the plus strand (G>C on the coding strand, the complement: KCNH2 is on the minus strand). VCF-style: chr7-150947754-C-G. GRCh37 (hg19) VCF-style: chr7-150644842-C-G.
Other names: c.2529G>C, p.Glu843Asp (NM_001406753.1); c.1797G>C, p.Glu599Asp (NM_172057.3); short protein forms E599D, E939D, E843D.
Identifiers: ClinVar variation 4744632 (VCV004744632.1).